The following is an entry in ClinVar:

ClinVar aggregate classification (germline): Likely benign (1 of 4 stars; one submission).

Conditions:
Renal hypomagnesemia 4. Also called: HYPOMAGNESEMIA, RENAL, NORMOCALCIURIC. Identifiers: Orphanet 34527, MedGen C2673648, MONDO:0012717, OMIM 611718.

Allele frequency attached by ClinVar (database versions not stated): gnomAD exomes 0.00043 and 0.00090; ExAC 0.00111; 1000 Genomes Project 0.00260; gnomAD 0.00265 and 0.00288; TOPMed 0.00302; 1000 Genomes Project 30x 0.00328; ESP Exome Variant Server 0.00331.

Submission:

Illumina Laboratory Services, Illumina
Classification: Likely benign for Renal hypomagnesemia 4. Last evaluated: 2018-01-13. Review status: criteria provided, single submitter. Criteria: ICSL Variant Classification Criteria 13 December 2019. Collection method: clinical testing. Allele origin: germline.
Comment: This variant was observed in the ICSL laboratory as part of a predisposition screen in an ostensibly healthy population. It had not been previously curated by ICSL or reported in the Human Gene Mutation Database (HGMD: prior to June 1st, 2018), and was therefore a candidate for classification through an automated scoring system. Utilizing variant allele frequency, disease prevalence and penetrance estimates, and inheritance mode, an automated score was calculated to assess if this variant is too frequent to cause the disease. Based on the score and internal cut-off values, a variant classified as likely benign is not then subjected to further curation. The score for this variant resulted in a classification of likely benign for this disease.

NM_001963.6(EGF):c.*42C>T

Gene: EGF (epidermal growth factor; plus strand). Cytogenetic location: 4q25.
Variant type: single nucleotide variant.
Coding change: c.*42C>T on transcript NM_001963.6 (MANE Select); 42 bases downstream of the stop codon, C replaced by T.
Molecular consequence: 3 prime UTR variant.
Genome position (GRCh38, 1-based): chr4:110,011,497, C>T. VCF-style: chr4-110011497-C-T. GRCh37 (hg19) VCF-style: chr4-110932653-C-T.
Other names: c.*42C>T (NM_001178130.3, NM_001178131.3); c.*185C>T (NM_001357021.2).
Identifiers: ClinVar variation 901283 (VCV000901283.4), dbSNP rs11569145, ClinGen allele CA3044325.
Genomic context (GRCh38, chr4:110,011,497, plus strand): 5'-AATGGAGCTGACTCAGTGAAAACTGGAATTAAAAGGAAAGTCAAGAAGAATGAACTATGT[C>T]GATGCACAGTATCTTTTCTTTCAAAAGTAGAGCAAAACTATAGGTTTTGGTTCCACAATC-3'